The following is an entry in ClinVar:

ClinVar aggregate classification (germline): Uncertain significance (1 of 4 stars; one submission).

gnomAD v4.1: 2 of 1,614,160 alleles (0.00012%); highest among the groups gnomAD compares: Non-Finnish European, 0.000085%; no homozygotes.

Submission:

CeGaT Center for Human Genetics Tuebingen
Classification: Uncertain significance. Last evaluated: 2024-11-01. Review status: criteria provided, single submitter. Criteria: CeGaT Center For Human Genetics Tuebingen Variant Classification Criteria Version 2. Collection method: clinical testing. Allele origin: germline. Affected: yes. Observed: 1 variant allele.
Comment: NTRK2: PP3

NM_006180.6(NTRK2):c.1781G>A (p.Ser594Asn)

Gene: NTRK2 (neurotrophic receptor tyrosine kinase 2; plus strand). Cytogenetic location: 9q21.33.
Variant type: single nucleotide variant.
Coding change: c.1781G>A on transcript NM_006180.6 (MANE Select); coding-DNA position 1781, G replaced by A.
Protein change: p.Ser594Asn; replaces serine 594 with asparagine.
Molecular consequence: missense variant.
Genome position (GRCh38, 1-based): chr9:84,948,478, G>A. VCF-style: chr9-84948478-G-A. GRCh37 (hg19) VCF-style: chr9-87563393-G-A.
Other names: c.1733G>A, p.Ser578Asn (NM_001018064.3, NM_001369532.1, NM_001369533.1); c.1697G>A, p.Ser566Asn (NM_001369534.1); c.1265G>A, p.Ser422Asn (NM_001369535.1); c.1313G>A, p.Ser438Asn (NM_001369536.1); short protein forms S422N, S438N, S566N, S578N, S594N.
Identifiers: ClinVar variation 3390139 (VCV003390139.14).
Genomic context (GRCh38, chr9:84,948,478, plus strand): 5'-AGGGCCCACTGAAGTAATCCTTCTCTTTTAACACCCATCCCCAGACCCTGAAGGATGCCA[G>A]TGACAATGCACGCAAGGACTTCCACCGTGAGGCCGAGCTCCTGACCAACCTCCAGCATGA-3'
Protein context (NP_006171.2, residues 584-604): LVAVKTLKDA[Ser594Asn]DNARKDFHRE